The following is an entry in ClinVar:

ClinVar aggregate classification (germline): Uncertain significance (1 of 4 stars; one submission).

Submission:

Labcorp Genetics (formerly Invitae), Labcorp
Classification: Uncertain significance. Last evaluated: 2022-06-19. Review status: criteria provided, single submitter. Criteria: Invitae Variant Classification Sherloc (09022015). Collection method: clinical testing. Allele origin: germline.
Comment: This variant has not been reported in the literature in individuals affected with EYS-related conditions. This variant is not present in population databases (gnomAD no frequency). This sequence change replaces threonine, which is neutral and polar, with arginine, which is basic and polar, at codon 1424 of the EYS protein (p.Thr1424Arg). Algorithms developed to predict the effect of missense changes on protein structure and function (SIFT, PolyPhen-2, Align-GVGD) all suggest that this variant is likely to be tolerated. In summary, the available evidence is currently insufficient to determine the role of this variant in disease. Therefore, it has been classified as a Variant of Uncertain Significance.

NM_001142800.2(EYS):c.4271C>G (p.Thr1424Arg)

Gene: EYS (EGF-like photoreceptor maintenance factor; minus strand). Cytogenetic location: 6q12.
Variant type: single nucleotide variant.
Coding change: c.4271C>G on transcript NM_001142800.2 (MANE Select); coding-DNA position 4271, C replaced by G.
Protein change: p.Thr1424Arg; replaces threonine 1424 with arginine.
Molecular consequence: missense variant.
Genome position (GRCh38, 1-based): chr6:64,591,596, G>C on the plus strand (C>G on the coding strand, the complement: EYS is on the minus strand). VCF-style: chr6-64591596-G-C. GRCh37 (hg19) VCF-style: chr6-65301489-G-C.
Other names: c.4271C>G, p.Thr1424Arg (NM_001292009.2); short protein forms T1424R.
Identifiers: ClinVar variation 1943353 (VCV001943353.5), dbSNP rs762521982, ClinGen allele CA364783679.
Genomic context (GRCh38, chr6:64,591,596, plus strand): 5'-AGTAATGACTGCCTGTTTAGCTCAATATCAGCCCCTGGAATGCTTCTAATTACTGAAGTC[G>C]TTGGGGTAGCAGATAAAGCAACAGTCTGACAGTTCTCAAATAATAAAGATTGTGTAGGAA-3'
Protein context (NP_001136272.1, residues 1414-1434): CQTVALSATP[Thr1424Arg]TSVIRSIPGA